The following is an entry in ClinVar:

NM_015046.7(SETX):c.2411T>C (p.Leu804Ser)

Gene: SETX (senataxin; minus strand). Cytogenetic location: 9q34.13.
Variant type: single nucleotide variant.
Coding change: c.2411T>C on transcript NM_015046.7 (MANE Select); coding-DNA position 2411, T replaced by C.
Protein change: p.Leu804Ser; replaces leucine 804 with serine.
Molecular consequence: missense variant.
Genome position (GRCh38, 1-based): chr9:132,329,187, A>G on the plus strand (T>C on the coding strand, the complement: SETX is on the minus strand). VCF-style: chr9-132329187-A-G. GRCh37 (hg19) VCF-style: chr9-135204574-A-G.
Other names: p.Leu804Ser; c.2411T>C (NM_015046.6); c.2411T>C, p.Leu804Ser (NM_001351527.2, NM_001351528.2); short protein forms L804S.
Identifiers: ClinVar variation 536380 (VCV000536380.18), dbSNP rs201096140, ClinGen allele CA5297599.

ClinVar aggregate classification (germline): Conflicting classifications of pathogenicity. Review status: criteria provided, conflicting classifications (1 of 4 stars). 5 submissions from 5 submitters: Uncertain significance (3); Likely benign (1). 1 of the submissions does not count toward it. Last evaluated 2025-06-16.

Conditions:
Amyotrophic lateral sclerosis type 4 (ALS4). Also called: NEURONOPATHY, DISTAL HEREDITARY MOTOR, WITH PYRAMIDAL FEATURES; AMYOTROPHIC LATERAL SCLEROSIS 4, JUVENILE. Identifiers: Orphanet 357043, MedGen C1865409, MONDO:0011223, OMIM 602433.
Spinocerebellar ataxia, autosomal recessive, with axonal neuropathy 2 (SCAN2). Also called: ATAXIA-OCULOMOTOR APRAXIA 2; Ataxia with Oculomotor Apraxia; Ataxia with Oculomotor Apraxia Type 2; Ataxia-ocular apraxia-2. Identifiers: Orphanet 64753, MedGen C1853761, MONDO:0018996, OMIM 606002.
Inborn genetic diseases. Identifiers: MedGen C0950123, MeSH D030342.
SETX-related disorder. Also called: SETX-related condition; SETX-related disorders. Identifiers: MedGen CN239403.

Allele frequency attached by ClinVar (database versions not stated): ExAC 0.00003; gnomAD 0.00003; gnomAD exomes 0.00003 and 0.00004; TOPMed 0.00003; ESP Exome Variant Server 0.00008; 1000 Genomes Project 30x 0.00016; 1000 Genomes Project 0.00020.
gnomAD v4.1: 67 of 1,613,518 alleles (0.0042%); highest among the groups gnomAD compares: Non-Finnish European, 0.0053%; no homozygotes.

Submissions (5):

Ambry Genetics
Classification: Uncertain significance for Inborn genetic diseases. Last evaluated: 2025-06-16. Review status: criteria provided, single submitter. Criteria: Ambry Variant Classification Scheme 2023. Collection method: clinical testing. Allele origin: germline.

Labcorp Genetics (formerly Invitae), Labcorp
Classification: Likely benign for Amyotrophic lateral sclerosis type 4; Spinocerebellar ataxia, autosomal recessive, with axonal neuropathy 2. Last evaluated: 2025-03-26. Review status: criteria provided, single submitter. Criteria: Invitae Variant Classification Sherloc (09022015). Collection method: clinical testing. Allele origin: germline.

Athena Diagnostics
Classification: Uncertain significance. Last evaluated: 2024-01-03. Review status: criteria provided, single submitter. Criteria: Athena Diagnostics Criteria. Collection method: clinical testing. Allele origin: unknown.
Comment: Available data are insufficient to determine the clinical significance of the variant at this time. The frequency of this variant in the general population is uninformative in assessment of its pathogenicity. Computational tools predict that this variant is not damaging.

Mayo Clinic Laboratories, Mayo Clinic
Classification: Uncertain significance. Last evaluated: 2022-03-16. Review status: criteria provided, single submitter. Criteria: ACMG Guidelines, 2015. Collection method: clinical testing. Allele origin: germline. Observed: 1 variant allele.
Comment: BP4

PreventionGenetics, part of Exact Sciences
Classification: Uncertain significance for SETX-related condition. Last evaluated: 2024-03-26. Review status: no assertion criteria provided. Collection method: clinical testing. Allele origin: germline. Not counted in ClinVar's aggregate classification.
Comment: The SETX c.2411T>C variant is predicted to result in the amino acid substitution p.Leu804Ser. To our knowledge, this variant has not been reported in the literature. This variant is reported in 0.0055% of alleles in individuals of European (Non-Finnish) descent in gnomAD. At this time, the clinical significance of this variant is uncertain due to the absence of conclusive functional and genetic evidence.